The following is an entry in ClinVar:

ClinVar aggregate classification (germline): Likely pathogenic (1 of 4 stars; one submission).

Submission:

GeneDx
Classification: Likely pathogenic. Last evaluated: 2020-11-24. Review status: criteria provided, single submitter. Criteria: GeneDx Variant Classification Process June 2021. Collection method: clinical testing. Allele origin: germline. Affected: yes.
Comment: Not observed in large population cohorts (Lek et al., 2016); In silico analysis, which includes protein predictors and evolutionary conservation, supports a deleterious effect; This variant is associated with the following publications: (PMID: 25468891)

NM_000260.4(MYO7A):c.284A>G (p.Tyr95Cys)

Gene: MYO7A (myosin VIIA; plus strand). Cytogenetic location: 11q13.5.
Variant type: single nucleotide variant.
Coding change: c.284A>G on transcript NM_000260.4 (MANE Select); coding-DNA position 284, A replaced by G.
Protein change: p.Tyr95Cys; replaces tyrosine 95 with cysteine.
Molecular consequence: missense variant.
Genome position (GRCh38, 1-based): chr11:77,147,949, A>G. VCF-style: chr11-77147949-A-G. GRCh37 (hg19) VCF-style: chr11-76858995-A-G.
Other names: c.284A>G, p.Tyr95Cys (NM_001127180.2); c.251A>G, p.Tyr84Cys (NM_001369365.1); short protein forms Y84C, Y95C.
Identifiers: ClinVar variation 1199867 (VCV001199867.3), dbSNP rs797044489, ClinGen allele CA381929473.